The following is an entry in ClinVar:

ClinVar aggregate classification (germline): Uncertain significance (1 of 4 stars; one submission).

gnomAD v4.1: 3 of 1,614,212 alleles (0.00019%); highest among the groups gnomAD compares: Non-Finnish European, 0.00017%; no homozygotes.

Submission:

CeGaT Center for Human Genetics Tuebingen
Classification: Uncertain significance. Last evaluated: 2026-08-01. Review status: criteria provided, single submitter. Criteria: CeGaT Center For Human Genetics Tuebingen Variant Classification Criteria Version 2. Collection method: clinical testing. Allele origin: germline. Affected: yes. Observed: 1 variant allele.
Comment: PARK7: PM2

NM_007262.5(PARK7):c.541G>C (p.Val181Leu)

Gene: PARK7 (Parkinsonism associated deglycase; plus strand). Cytogenetic location: 1p36.23.
Variant type: single nucleotide variant.
Coding change: c.541G>C on transcript NM_007262.5 (MANE Select); coding-DNA position 541, G replaced by C.
Protein change: p.Val181Leu; replaces valine 181 with leucine.
Molecular consequence: missense variant.
Genome position (GRCh38, 1-based): chr1:7,985,025, G>C. VCF-style: chr1-7985025-G-C. GRCh37 (hg19) VCF-style: chr1-8045085-G-C.
Other names: c.541G>C, p.Val181Leu (NM_001123377.2); short protein forms V181L.
Identifiers: ClinVar variation 5039787 (VCV005039787.1).